The following is an entry in ClinVar:

NM_003660.4(PPFIA3):c.3096G>A (p.Gln1032=)

Gene: PPFIA3 (PPFI scaffold protein A3; plus strand). Cytogenetic location: 19q13.33.
Variant type: single nucleotide variant.
Coding change: c.3096G>A on transcript NM_003660.4 (MANE Select); coding-DNA position 3096, G replaced by A.
Protein change: p.Gln1032=; no amino-acid change (glutamine 1032 retained).
Molecular consequence: synonymous variant. On other transcripts: non-coding transcript variant (1).
Genome position (GRCh38, 1-based): chr19:49,148,750, G>A. VCF-style: chr19-49148750-G-A. GRCh37 (hg19) VCF-style: chr19-49652007-G-A.
Identifiers: ClinVar variation 5039092 (VCV005039092.1).

ClinVar aggregate classification (germline): Likely benign (1 of 4 stars; one submission).

gnomAD v4.1: 7 of 1,613,740 alleles (0.00043%); highest among the groups gnomAD compares: Middle Eastern, 0.017%; no homozygotes.

Submission:

CeGaT Center for Human Genetics Tuebingen
Classification: Likely benign. Last evaluated: 2026-08-01. Review status: criteria provided, single submitter. Criteria: CeGaT Center For Human Genetics Tuebingen Variant Classification Criteria Version 2. Collection method: clinical testing. Allele origin: germline. Affected: yes. Observed: 1 variant allele.
Comment: PPFIA3: BP4, BP7